The following is an entry in ClinVar:

ClinVar aggregate classification (germline): Uncertain significance. Review status: criteria provided, single submitter (1 of 4 stars). 2 submissions from 2 submitters: Uncertain significance (1). 1 of the submissions does not count toward it. Last evaluated 2024-01-16.

Conditions:
Disseminated atypical mycobacterial infection. Identifiers: MedGen C0694566.

Allele frequency attached by ClinVar (database versions not stated): TOPMed 0.00001.
gnomAD v4.1: 24 of 1,607,166 alleles (0.0015%); highest among the groups gnomAD compares: East Asian, 0.045%; no homozygotes.

Submissions (2):

Labcorp Genetics (formerly Invitae), Labcorp
Classification: Uncertain significance for Disseminated atypical mycobacterial infection. Last evaluated: 2024-01-16. Review status: criteria provided, single submitter. Criteria: Invitae Variant Classification Sherloc (09022015). Collection method: clinical testing. Allele origin: germline.
Comment: This sequence change replaces alanine, which is neutral and non-polar, with valine, which is neutral and non-polar, at codon 2 of the IFNGR1 protein (p.Ala2Val). This variant is not present in population databases (gnomAD no frequency). This variant has not been reported in the literature in individuals affected with IFNGR1-related conditions. ClinVar contains an entry for this variant (Variation ID: 111216). An algorithm developed to predict the effect of missense changes on protein structure and function (PolyPhen-2) suggests that this variant is likely to be tolerated. In summary, the available evidence is currently insufficient to determine the role of this variant in disease. Therefore, it has been classified as a Variant of Uncertain Significance.

Human Evolutionary Genetics, Institut Pasteur
No classification provided. Review status: no classification provided. Collection method: not provided. Allele origin: not provided. Not counted in ClinVar's aggregate classification.

NM_000416.3(IFNGR1):c.5C>T (p.Ala2Val)

Gene: IFNGR1 (interferon gamma receptor 1; minus strand). Cytogenetic location: 6q23.3.
Variant type: single nucleotide variant.
Coding change: c.5C>T on transcript NM_000416.3 (MANE Select); coding-DNA position 5, C replaced by T.
Protein change: p.Ala2Val; replaces alanine 2 with valine.
Molecular consequence: missense variant.
Genome position (GRCh38, 1-based): chr6:137,219,323, G>A on the plus strand (C>T on the coding strand, the complement: IFNGR1 is on the minus strand). VCF-style: chr6-137219323-G-A. GRCh37 (hg19) VCF-style: chr6-137540460-G-A.
Other names: short protein forms A2V.
Identifiers: ClinVar variation 111216 (VCV000111216.5), dbSNP rs121913172, ClinGen allele CA230516.